The following is an entry in ClinVar:

NM_001267550.2(TTN):c.56436T>C (p.Asp18812=)

Genes: TTN (titin; minus strand), TTN-AS1 (TTN antisense RNA 1; plus strand). Cytogenetic location: 2q31.2.
Variant type: single nucleotide variant.
Coding change: c.56436T>C on transcript NM_001267550.2 (MANE Select); coding-DNA position 56436, T replaced by C.
Protein change: p.Asp18812=; no amino-acid change (aspartic acid 18812 retained).
Molecular consequence: synonymous variant.
Genome position (GRCh38, 1-based): chr2:178,599,357, A>G on the plus strand (T>C on the coding strand, the complement: TTN is on the minus strand). VCF-style: chr2-178599357-A-G. GRCh37 (hg19) VCF-style: chr2-179464084-A-G.
Other names: c.56436T>C (NM_001267550.1); c.51513T>C, p.Asp17171= (NM_001256850.1); c.29241T>C, p.Asp9747= (NM_003319.4); c.48732T>C, p.Asp16244= (NM_133378.4); c.29616T>C, p.Asp9872= (NM_133432.3); c.29817T>C, p.Asp9939= (NM_133437.4).
Identifiers: ClinVar variation 1659254 (VCV001659254.9), dbSNP rs2052662873, ClinGen allele CA430268416.
Genomic context (GRCh38, chr2:178,599,357, plus strand): 5'-CCATGTCTTCCTGTTAGCTTCTCTTTTCTCAATTACATAGTTTGTAATCTTAGACCCACC[A>G]TCATCTTTAGGTGGAAACCAAGATAGTGTCATTTGATCTGCTGAAACAGATTCAAATTTT-3'
Protein context (NP_001254479.2, residues 18802-18822): MTLSWFPPKD[Asp18812=]GGSKITNYVI

ClinVar aggregate classification (germline): Likely benign. Review status: criteria provided, multiple submitters, no conflicts (2 of 4 stars). 2 submissions from 2 submitters: Likely benign (2). Last evaluated 2025-05-30.

Conditions:
Autosomal recessive limb-girdle muscular dystrophy type 2J (LGMDR10). Also called: Limb-girdle muscular dystrophy, type 2J; MUSCULAR DYSTROPHY, LIMB-GIRDLE, AUTOSOMAL RECESSIVE 10. Identifiers: Orphanet 140922, MedGen C1837342, MONDO:0012127, OMIM 608807.
Dilated cardiomyopathy 1G (CMD1G). Identifiers: Orphanet 154, MedGen C1858763, MONDO:0011400, OMIM 604145.

Allele frequency attached by ClinVar (database versions not stated): gnomAD exomes below 0.00001; TOPMed below 0.00001.
gnomAD v4.1: 1 of 1,605,602 alleles (0.000062%); highest among the groups gnomAD compares: Non-Finnish European, 0.000085%; no homozygotes.

Submissions (2):

Labcorp Genetics (formerly Invitae), Labcorp
Classification: Likely benign for Dilated cardiomyopathy 1G; Autosomal recessive limb-girdle muscular dystrophy type 2J. Last evaluated: 2025-05-30. Review status: criteria provided, single submitter. Criteria: Invitae Variant Classification Sherloc (09022015). Collection method: clinical testing. Allele origin: germline.

Athena Diagnostics
Classification: Likely benign. Last evaluated: 2025-05-09. Review status: criteria provided, single submitter. Criteria: Athena Diagnostics Criteria. Collection method: clinical testing. Allele origin: unknown.
Comment: Computational tools yielded predictions that this variant is unlikely to have an effect on normal RNA splicing. This nucleotide position exhibits low evolutionary conservation.